The following is an entry in ClinVar:

ClinVar aggregate classification (germline): Conflicting classifications of pathogenicity. Review status: criteria provided, conflicting classifications (1 of 4 stars). 4 submissions from 4 submitters: Uncertain significance (1); Likely benign (3). Last evaluated 2025-10-23.

Conditions:
Epidermolysis bullosa simplex 5B, with muscular dystrophy (EBS5B). Also called: EPIDERMOLYSIS BULLOSA SIMPLEX AND LIMB-GIRDLE MUSCULAR DYSTROPHY; Epidermolysis bullosa simplex with muscular dystrophy. Identifiers: Orphanet 257, MedGen C2931072, MONDO:0009181, OMIM 226670.
Autosomal recessive limb-girdle muscular dystrophy type 2Q (LGMDR17). Also called: MUSCULAR DYSTROPHY, LIMB-GIRDLE, AUTOSOMAL RECESSIVE 17. Identifiers: Orphanet 254361, MedGen C3150989, MONDO:0013390, OMIM 613723.
Epidermolysis bullosa simplex, Ogna type (EBS5A). Also called: Pidermolysis bullosa simplex 5A, Ogna type; EPIDERMOLYSIS BULLOSA SIMPLEX 5A, OGNA TYPE. Identifiers: Orphanet 79401, MedGen C0432317, MONDO:0007555, OMIM 131950.
Epidermolysis bullosa simplex with nail dystrophy (EBS5D). Identifiers: MedGen C4225309, MONDO:0014661, OMIM 616487.
Epidermolysis bullosa simplex 5C, with pyloric atresia (EBS5C). Also called: PLEC-Related Epidermolysis Bullosa with Pyloric Atresia; Epidermolysis bullosa simplex with pyloric atresia; PLEC1-Related Epidermolysis Bullosa with Pyloric Atresia. Identifiers: Orphanet 158684, MedGen C2677349, MONDO:0012807, OMIM 612138.

Allele frequency attached by ClinVar (database versions not stated): ExAC 0.00008; gnomAD exomes 0.00011 and 0.00022; TOPMed 0.00012; gnomAD 0.00015; 1000 Genomes Project 30x 0.00016; ESP Exome Variant Server 0.00050.
gnomAD v4.1: 339 of 1,600,932 alleles (0.021%); highest among the groups gnomAD compares: Admixed American, 0.029%; 2 homozygotes.

Submissions (4):

Labcorp Genetics (formerly Invitae), Labcorp
Classification: Likely benign for Autosomal recessive limb-girdle muscular dystrophy type 2Q; Epidermolysis bullosa simplex, Ogna type; Epidermolysis bullosa simplex with nail dystrophy; Epidermolysis bullosa simplex 5C, with pyloric atresia; Epidermolysis bullosa simplex 5B, with muscular dystrophy. Last evaluated: 2025-10-23. Review status: criteria provided, single submitter. Criteria: Invitae Variant Classification Sherloc (09022015). Collection method: clinical testing. Allele origin: germline.

Blueprint Genetics
Classification: Likely benign. Last evaluated: 2024-09-12. Review status: criteria provided, single submitter. Criteria: ACMG Guidelines, 2015. Collection method: clinical testing. Allele origin: germline.

GeneDx
Classification: Likely benign. Last evaluated: 2017-08-14. Review status: criteria provided, single submitter. Criteria: GeneDx Variant Classification (06012015). Collection method: clinical testing. Allele origin: germline. Affected: yes.
Comment: This variant is considered likely benign or benign based on one or more of the following criteria: it is a conservative change, it occurs at a poorly conserved position in the protein, it is predicted to be benign by multiple in silico algorithms, and/or has population frequency not consistent with disease.

Eurofins Ntd Llc (ga)
Classification: Uncertain significance. Last evaluated: 2017-02-28. Review status: criteria provided, single submitter. Criteria: EGL Classification Definitions 2015. Collection method: clinical testing. Allele origin: germline. Observed: 5 variant alleles, 5 heterozygotes.

NM_201384.3(PLEC):c.3279G>A (p.Leu1093=)

Gene: PLEC (plectin; minus strand). Cytogenetic location: 8q24.3.
Variant type: single nucleotide variant.
Coding change: c.3279G>A on transcript NM_201384.3 (MANE Select); coding-DNA position 3279, G replaced by A.
Protein change: p.Leu1093=; no amino-acid change (leucine 1093 retained).
Molecular consequence: synonymous variant.
Genome position (GRCh38, 1-based): chr8:143,927,974, C>T on the plus strand (G>A on the coding strand, the complement: PLEC is on the minus strand). VCF-style: chr8-143927974-C-T. GRCh37 (hg19) VCF-style: chr8-145002142-C-T.
Other names: c.3360G>A, p.Leu1120= (NM_000445.5); c.3237G>A, p.Leu1079= (NM_201378.4); c.3213G>A, p.Leu1071= (NM_201379.3); c.3690G>A, p.Leu1230= (NM_201380.4); c.3183G>A, p.Leu1061= (NM_201381.3); c.3279G>A, p.Leu1093= (NM_201382.4); c.3291G>A, p.Leu1097= (NM_201383.3).
Identifiers: ClinVar variation 497003 (VCV000497003.15), dbSNP rs371818099, ClinGen allele CA4927139.